The following is an entry in ClinVar:

ClinVar aggregate classification (germline): Likely benign (0 of 4 stars; one submission).

Conditions:
PTPRS-related disorder. Also called: PTPRS-related condition.

Allele frequency attached by ClinVar (database versions not stated): gnomAD exomes below 0.00001; gnomAD 0.00002; TOPMed 0.00006.
gnomAD v4.1: 12 of 1,613,934 alleles (0.00074%); highest among the groups gnomAD compares: Admixed American, 0.0033%; no homozygotes.

Submission:

PreventionGenetics, part of Exact Sciences
Classification: Likely benign for PTPRS-related condition. Last evaluated: 2023-09-08. Review status: no assertion criteria provided. Collection method: clinical testing. Allele origin: germline.
Comment: This variant is classified as likely benign based on ACMG/AMP sequence variant interpretation guidelines (Richards et al. 2015 PMID: 25741868, with internal and published modifications).

NM_002850.4(PTPRS):c.3264C>T (p.His1088=)

Gene: PTPRS (protein tyrosine phosphatase receptor type S; minus strand). Cytogenetic location: 19p13.3.
Variant type: single nucleotide variant.
Coding change: c.3264C>T on transcript NM_002850.4 (MANE Select); coding-DNA position 3264, C replaced by T.
Protein change: p.His1088=; no amino-acid change (histidine 1088 retained).
Molecular consequence: synonymous variant.
Genome position (GRCh38, 1-based): chr19:5,221,191, G>A on the plus strand (C>T on the coding strand, the complement: PTPRS is on the minus strand). VCF-style: chr19-5221191-G-A. GRCh37 (hg19) VCF-style: chr19-5221202-G-A.
Other names: c.3198C>T, p.His1066= (NM_001394011.1, NM_001394013.1, NM_130854.3); c.3225C>T, p.His1075= (NM_001394012.1); c.1971C>T, p.His657= (NM_130853.3); c.1983C>T, p.His661= (NM_130855.3).
Identifiers: ClinVar variation 3061553 (VCV003061553.2), dbSNP rs997237570, ClinGen allele CA304604681.